The following is an entry in ClinVar:

NM_207361.6(FREM2):c.2238del (p.Thr747fs)

Gene: FREM2 (FRAS1 related extracellular matrix 2; plus strand). Cytogenetic location: 13q13.3.
Variant type: Deletion.
Coding change: c.2238del on transcript NM_207361.6 (MANE Select); coding-DNA position 2238, one base deleted (C; older notation c.2238delC).
Protein change: p.Thr747fs; shifts the reading frame from threonine 747.
Molecular consequence: frameshift variant.
Genome position (GRCh38, 1-based): chr13:38,689,582, C deleted; the last of 6 consecutive C bases (chr13:38,689,577-38,689,582); deleting any one gives the same sequence. VCF-style (leftmost placement, unchanged base first): chr13-38689576-GC-G. GRCh37 (hg19) VCF-style: chr13-39263713-GT-G.
Other names: short protein forms T747fs.
Identifiers: ClinVar variation 3687268 (VCV003687268.2).

ClinVar aggregate classification (germline): Pathogenic (1 of 4 stars; one submission).

Submission:

Labcorp Genetics (formerly Invitae), Labcorp
Classification: Pathogenic. Last evaluated: 2024-03-25. Review status: criteria provided, single submitter. Criteria: Invitae Variant Classification Sherloc (09022015). Collection method: clinical testing. Allele origin: germline.
Comment: This sequence change creates a premature translational stop signal (p.Thr747Glnfs*17) in the FREM2 gene. It is expected to result in an absent or disrupted protein product. Loss-of-function variants in FREM2 are known to be pathogenic (PMID: 18203166, 26552811). This variant is not present in population databases (gnomAD no frequency). This variant has not been reported in the literature in individuals affected with FREM2-related conditions. For these reasons, this variant has been classified as Pathogenic.

Literature cited by the submitters: PubMed 18203166; PubMed 26552811.